The following is an entry in ClinVar:

ClinVar aggregate classification (germline): Uncertain significance (1 of 4 stars; one submission).

Allele frequency attached by ClinVar (database versions not stated): ExAC 0.00001; gnomAD exomes 0.00001.
gnomAD v4.1: 10 of 1,613,994 alleles (0.00062%); highest among the groups gnomAD compares: Non-Finnish European, 0.00076%; no homozygotes.

Submission:

Labcorp Genetics (formerly Invitae), Labcorp
Classification: Uncertain significance. Last evaluated: 2025-05-11. Review status: criteria provided, single submitter. Criteria: Invitae Variant Classification Sherloc (09022015). Collection method: clinical testing. Allele origin: germline.
Comment: This sequence change replaces threonine, which is neutral and polar, with alanine, which is neutral and non-polar, at codon 210 of the DCHS1 protein (p.Thr210Ala). This variant is present in population databases (rs749130125, gnomAD 0.0009%). This variant has not been reported in the literature in individuals affected with DCHS1-related conditions. ClinVar contains an entry for this variant (Variation ID: 1959056). Invitae Evidence Modeling of protein sequence and biophysical properties (such as structural, functional, and spatial information, amino acid conservation, physicochemical variation, residue mobility, and thermodynamic stability) indicates that this missense variant is not expected to disrupt DCHS1 protein function with a negative predictive value of 95%. In summary, the available evidence is currently insufficient to determine the role of this variant in disease. Therefore, it has been classified as a Variant of Uncertain Significance.

NM_003737.4(DCHS1):c.628A>G (p.Thr210Ala)

Gene: DCHS1 (dachsous cadherin-related 1; minus strand). Cytogenetic location: 11p15.4.
Variant type: single nucleotide variant.
Coding change: c.628A>G on transcript NM_003737.4 (MANE Select); coding-DNA position 628, A replaced by G.
Protein change: p.Thr210Ala; replaces threonine 210 with alanine.
Molecular consequence: missense variant.
Genome position (GRCh38, 1-based): chr11:6,640,986, T>C on the plus strand (A>G on the coding strand, the complement: DCHS1 is on the minus strand). VCF-style: chr11-6640986-T-C. GRCh37 (hg19) VCF-style: chr11-6662217-T-C.
Other names: short protein forms T210A.
Identifiers: ClinVar variation 1959056 (VCV001959056.5), dbSNP rs749130125, ClinGen allele CA5861120.